The following is an entry in ClinVar:

ClinVar aggregate classification (germline): Conflicting classifications of pathogenicity. Review status: criteria provided, conflicting classifications (1 of 4 stars). 6 submissions from 6 submitters: Uncertain significance (4); Benign (1). 1 of the submissions does not count toward it. Last evaluated 2026-08-20.

Conditions:
FAM161A-related disorder. Also called: FAM161A-related condition.
Retinitis pigmentosa (RP). Identifiers: Orphanet 791, MedGen C0035334, MeSH D012174, MONDO:0019200, OMIM 268000. Inheritance: Autosomal dominant, autosomal recessive and X linked inheritance.
Inborn genetic diseases. Identifiers: MedGen C0950123, MeSH D030342.
Retinitis pigmentosa 28 (RP28). Identifiers: Orphanet 791, MedGen C1419614, MONDO:0011630, OMIM 606068.

Allele frequency attached by ClinVar (database versions not stated): gnomAD exomes 0.00004 and 0.00011; ExAC 0.00010; gnomAD 0.00031 and 0.00034; TOPMed 0.00031; ESP Exome Variant Server 0.00034; 1000 Genomes Project 0.00040; 1000 Genomes Project 30x 0.00047.
gnomAD v4.1: 110 of 1,614,210 alleles (0.0068%); highest among the groups gnomAD compares: African/African-American, 0.1%; no homozygotes.

Submissions (6):

PreventionGenetics, part of Exact Sciences
Classification: Uncertain significance for FAM161A-related condition. Last evaluated: 2026-08-20. Review status: criteria provided, single submitter. Criteria: ACMG Guidelines, 2015. Collection method: clinical testing. Allele origin: germline.
Comment: The FAM161A c.982A>G variant is predicted to result in the amino acid substitution p.Ile328Val. To our knowledge, this variant has not been reported in the literature. This variant is reported in 0.12% of alleles in individuals of African descent in gnomAD, which may be too frequent to be a primary cause of disease. Although we suspect that this variant may be benign, at this time, the clinical significance of this variant is uncertain due to the absence of conclusive functional and genetic evidence.

Ambry Genetics
Classification: Uncertain significance for Inborn genetic diseases. Last evaluated: 2025-04-08. Review status: criteria provided, single submitter. Criteria: Ambry Variant Classification Scheme 2023. Collection method: clinical testing. Allele origin: germline.

Labcorp Genetics (formerly Invitae), Labcorp
Classification: Uncertain significance. Last evaluated: 2022-09-06. Review status: criteria provided, single submitter. Criteria: Invitae Variant Classification Sherloc (09022015). Collection method: clinical testing. Allele origin: germline.
Comment: This sequence change replaces isoleucine, which is neutral and non-polar, with valine, which is neutral and non-polar, at codon 328 of the FAM161A protein (p.Ile328Val). This variant is present in population databases (rs192680593, gnomAD 0.1%). This variant has not been reported in the literature in individuals affected with FAM161A-related conditions. ClinVar contains an entry for this variant (Variation ID: 896010). Algorithms developed to predict the effect of missense changes on protein structure and function output the following: SIFT: "Deleterious"; PolyPhen-2: "Benign"; Align-GVGD: "Class C0". The valine amino acid residue is found in multiple mammalian species, which suggests that this missense change does not adversely affect protein function. In summary, the available evidence is currently insufficient to determine the role of this variant in disease. Therefore, it has been classified as a Variant of Uncertain Significance.

Blueprint Genetics
Classification: Benign. Last evaluated: 2022-08-26. Review status: criteria provided, single submitter. Criteria: ACMG Guidelines, 2015. Collection method: clinical testing. Allele origin: germline.

Illumina Laboratory Services, Illumina
Classification: Uncertain significance for Retinitis pigmentosa. Last evaluated: 2018-01-13. Review status: criteria provided, single submitter. Criteria: ICSL Variant Classification Criteria 13 December 2019. Collection method: clinical testing. Allele origin: germline.

Natera, Inc.
Classification: Uncertain significance for Retinitis pigmentosa type 28. Last evaluated: 2020-01-24. Review status: no assertion criteria provided. Collection method: clinical testing. Allele origin: germline. Not counted in ClinVar's aggregate classification.

NM_001201543.2(FAM161A):c.982A>G (p.Ile328Val)

Gene: FAM161A (FAM161 centrosomal protein A; minus strand). Cytogenetic location: 2p15.
Variant type: single nucleotide variant.
Coding change: c.982A>G on transcript NM_001201543.2 (MANE Select); coding-DNA position 982, A replaced by G.
Protein change: p.Ile328Val; replaces isoleucine 328 with valine.
Molecular consequence: missense variant. On other transcripts: non-coding transcript variant (1).
Genome position (GRCh38, 1-based): chr2:61,840,022, T>C on the plus strand (A>G on the coding strand, the complement: FAM161A is on the minus strand). VCF-style: chr2-61840022-T-C. GRCh37 (hg19) VCF-style: chr2-62067157-T-C.
Other names: c.982A>G, p.Ile328Val (NM_032180.3); short protein forms I328V.
Identifiers: ClinVar variation 896010 (VCV000896010.11), dbSNP rs192680593, ClinGen allele CA1679239.